The following is an entry in ClinVar:

NM_001291303.3(FAT4):c.7019-230T>G

Gene: FAT4 (FAT atypical cadherin 4; plus strand). Cytogenetic location: 4q28.1.
Variant type: single nucleotide variant.
Coding change: c.7019-230T>G on transcript NM_001291303.3 (MANE Select); 230 bases into the intron before coding-DNA position 7019, T replaced by G.
Molecular consequence: intron variant.
Genome position (GRCh38, 1-based): chr4:125,434,015, T>G. VCF-style: chr4-125434015-T-G. GRCh37 (hg19) VCF-style: chr4-126355170-T-G.
Other names: c.7019-230T>G (NM_001291285.3, NM_024582.6).
Identifiers: ClinVar variation 680141 (VCV000680141.1), dbSNP rs17009654, ClinGen allele CA11789251.
Genomic context (GRCh38, chr4:125,434,015, plus strand): 5'-CAAATGATATTGTTGTGTTCTACATTGTTGAATCAGCACCTTTAAAATAGAATAAGAGCA[T>G]GACATATACTTTTCGTGCAGAGTTACTAGGAAAGAGTTGAAATTCTAGTTCACAAATGAA-3'

ClinVar aggregate classification (germline): Benign (1 of 4 stars; one submission).

Allele frequency attached by ClinVar (database versions not stated): 1000 Genomes Project 30x 0.05621; 1000 Genomes Project 0.05711; TOPMed 0.05925; gnomAD 0.06396 and 0.06435.
gnomAD v4.1: 9,723 of 152,222 alleles (6.4%); highest among the groups gnomAD compares: Middle Eastern, 9.5%; 313 homozygotes.

Submission:

GeneDx
Classification: Benign. Last evaluated: 2018-06-19. Review status: criteria provided, single submitter. Criteria: GeneDx Variant Classification (06012015). Collection method: clinical testing. Allele origin: germline. Affected: yes.
Comment: This variant is considered likely benign or benign based on one or more of the following criteria: it is a conservative change, it occurs at a poorly conserved position in the protein, it is predicted to be benign by multiple in silico algorithms, and/or has population frequency not consistent with disease.